The following is an entry in ClinVar:

ClinVar aggregate classification (germline): Conflicting classifications of pathogenicity. Review status: criteria provided, conflicting classifications (1 of 4 stars). 2 submissions from 2 submitters: Pathogenic (1); Uncertain significance (1). Last evaluated 2025-09-24.

Conditions:
Mitochondrial DNA depletion syndrome 12A (cardiomyopathic type), autosomal dominant. Also called: Mitochondrial DNA depletion syndrome 12A (cardiomyopathic type) AD. Identifiers: MedGen C4310676, MONDO:0014959, OMIM 617184.

Submissions (2):

Genesolutions, Medical Genetics Institutes, Ho Chi Minh City, Vietnam
Classification: Pathogenic for Mitochondrial DNA depletion syndrome 12A (cardiomyopathic type), autosomal dominant. Last evaluated: 2025-09-24. Review status: criteria provided, single submitter. Criteria: ACMG Guidelines, 2015. Collection method: clinical testing. Allele origin: germline. Affected: yes.

Labcorp Genetics (formerly Invitae), Labcorp
Classification: Uncertain significance. Last evaluated: 2025-08-05. Review status: criteria provided, single submitter. Criteria: Invitae Variant Classification Sherloc (09022015). Collection method: clinical testing. Allele origin: germline.
Comment: This sequence change replaces arginine, which is basic and polar, with cysteine, which is neutral and slightly polar, at codon 80 of the SLC25A4 protein (p.Arg80Cys). This variant is not present in population databases (gnomAD no frequency). This variant has not been reported in the literature in individuals affected with SLC25A4-related conditions. Invitae Evidence Modeling of protein sequence and biophysical properties (such as structural, functional, and spatial information, amino acid conservation, physicochemical variation, residue mobility, and thermodynamic stability) indicates that this missense variant is expected to disrupt SLC25A4 protein function with a positive predictive value of 80%. This variant disrupts the p.Arg80 amino acid residue in SLC25A4. Other variant(s) that disrupt this residue have been determined to be pathogenic (PMID: 27693233, 32827528). This suggests that this residue is clinically significant, and that variants that disrupt this residue are likely to be disease-causing. In summary, the available evidence is currently insufficient to determine the role of this variant in disease. Therefore, it has been classified as a Variant of Uncertain Significance.

Literature cited by the submitters: PubMed 27693233 (cited by Labcorp Genetics (formerly Invitae), Labcorp); PubMed 32827528 (cited by Labcorp Genetics (formerly Invitae), Labcorp).

NM_001151.4(SLC25A4):c.238C>T (p.Arg80Cys)

Gene: SLC25A4 (solute carrier family 25 member 4; plus strand). Cytogenetic location: 4q35.1.
Variant type: single nucleotide variant.
Coding change: c.238C>T on transcript NM_001151.4 (MANE Select); coding-DNA position 238, C replaced by T.
Protein change: p.Arg80Cys; replaces arginine 80 with cysteine.
Molecular consequence: missense variant.
Genome position (GRCh38, 1-based): chr4:185,144,890, C>T. VCF-style: chr4-185144890-C-T. GRCh37 (hg19) VCF-style: chr4-186066044-C-T.
Other names: short protein forms R80C.
Identifiers: ClinVar variation 4277472 (VCV004277472.2).